The following is an entry in ClinVar:

NM_001001331.4(ATP2B2):c.3329A>G (p.Asn1110Ser)

Gene: ATP2B2 (ATPase plasma membrane Ca2+ transporting 2; minus strand). Cytogenetic location: 3p25.3.
Variant type: single nucleotide variant.
Coding change: c.3329A>G on transcript NM_001001331.4 (MANE Select); coding-DNA position 3329, A replaced by G.
Protein change: p.Asn1110Ser; replaces asparagine 1110 with serine.
Molecular consequence: missense variant.
Genome position (GRCh38, 1-based): chr3:10,338,267, T>C on the plus strand (A>G on the coding strand, the complement: ATP2B2 is on the minus strand). VCF-style: chr3-10338267-T-C. GRCh37 (hg19) VCF-style: chr3-10379951-T-C.
Other names: c.3194A>G, p.Asn1065Ser (NM_001330611.3, NM_001353564.1, NM_001363862.1 and 1 more transcripts); c.3194A>G (NM_001683.3); short protein forms N1065S, N1110S.
Identifiers: ClinVar variation 2170173 (VCV002170173.5), dbSNP rs374011120, ClinGen allele CA2253130.
Genomic context (GRCh38, chr3:10,338,267, plus strand): 5'-CACAGGATCTGGCCCCGCCGCAGCTCCCGCTCCGCGTGGTCGATCTCCTCCACGTCCTCG[T>C]TGAGCTCCTCCTCCGGGATCTCCTCCTTCTGTGTGAGCCTGCCTGCCTCCTTGAGGAACT-3'
Protein context (NP_001001331.1, residues 1100-1120): QKEEIPEEEL[Asn1110Ser]EDVEEIDHAE

ClinVar aggregate classification (germline): Uncertain significance. Review status: criteria provided, multiple submitters, no conflicts (2 of 4 stars). 2 submissions from 2 submitters: Uncertain significance (2). Last evaluated 2024-05-23.

Allele frequency attached by ClinVar (database versions not stated): gnomAD exomes 0.00001; ExAC 0.00002; gnomAD 0.00006; ESP Exome Variant Server 0.00008; TOPMed 0.00009.
gnomAD v4.1: 18 of 1,614,124 alleles (0.0011%); highest among the groups gnomAD compares: African/African-American, 0.023%; no homozygotes.

Submissions (2):

Ambry Genetics
Classification: Uncertain significance. Last evaluated: 2024-05-23. Review status: criteria provided, single submitter. Criteria: Ambry Variant Classification Scheme 2023. Collection method: clinical testing. Allele origin: germline.

Labcorp Genetics (formerly Invitae), Labcorp
Classification: Uncertain significance. Last evaluated: 2023-12-06. Review status: criteria provided, single submitter. Criteria: Invitae Variant Classification Sherloc (09022015). Collection method: clinical testing. Allele origin: germline.
Comment: This sequence change replaces asparagine, which is neutral and polar, with serine, which is neutral and polar, at codon 1065 of the ATP2B2 protein (p.Asn1065Ser). This variant is present in population databases (rs374011120, gnomAD 0.03%). This variant has not been reported in the literature in individuals affected with ATP2B2-related conditions. ClinVar contains an entry for this variant (Variation ID: 2170173). Advanced modeling of protein sequence and biophysical properties (such as structural, functional, and spatial information, amino acid conservation, physicochemical variation, residue mobility, and thermodynamic stability) performed at Invitae indicates that this missense variant is not expected to disrupt ATP2B2 protein function with a negative predictive value of 80%. In summary, the available evidence is currently insufficient to determine the role of this variant in disease. Therefore, it has been classified as a Variant of Uncertain Significance.